The following is an entry in ClinVar:

ClinVar aggregate classification (germline): Conflicting classifications of pathogenicity. Review status: criteria provided, conflicting classifications (1 of 4 stars). 6 submissions from 6 submitters: Uncertain significance (3); Benign (1); Likely benign (1). 1 of the submissions does not count toward it. Last evaluated 2025-12-24.

Conditions:
COL6A3-related disorder. Also called: COL6A3-related disorders; COL6A3-related condition.
Collagen 6-related myopathy. Identifiers: MedGen CN117976, MONDO:0100225.
Bethlem myopathy 1A. Also called: Bethlem myopathy 1; MYOPATHY, BENIGN CONGENITAL, WITH CONTRACTURES; Bethlem Muscular Dystrophy. Identifiers: Orphanet 610, MedGen CN029274, MONDO:0024530, OMIM 158810.

Allele frequency attached by ClinVar (database versions not stated): ESP Exome Variant Server 0.00008; ExAC 0.00010; TOPMed 0.00010; gnomAD exomes 0.00012; gnomAD 0.00013 and 0.00014.
gnomAD v4.1: 236 of 1,614,200 alleles (0.015%); highest among the groups gnomAD compares: Middle Eastern, 0.066%; no homozygotes.

Submissions (6):

Labcorp Genetics (formerly Invitae), Labcorp
Classification: Likely benign for Bethlem myopathy 1A. Last evaluated: 2025-12-24. Review status: criteria provided, single submitter. Criteria: Invitae Variant Classification Sherloc (09022015). Collection method: clinical testing. Allele origin: germline.

Mayo Clinic Laboratories, Mayo Clinic
Classification: Uncertain significance. Last evaluated: 2025-07-18. Review status: criteria provided, single submitter. Criteria: ACMG Guidelines, 2015. Collection method: clinical testing. Allele origin: germline. Observed: 1 variant allele.

GeneDx
Classification: Uncertain significance. Last evaluated: 2023-10-16. Review status: criteria provided, single submitter. Criteria: GeneDx Variant Classification Process June 2021. Collection method: clinical testing. Allele origin: germline. Affected: yes.
Comment: Reported heterozygous in a patient with Parkinson disease who was also noted to be homozygous for PINK1 variants and heterozygous for a second COL6A3 variant; however the COL6A3 variants did not segregate with disease and were not thought to impact phenotypic expressivity in this patient's family (PMID: 26872670); Reported heterozygous in a patient with Bethlem myopathy in published literature; however, segregation information was not available and pathogenicity of the variant was unclear (PMID: 36982625); In silico analysis supports that this missense variant has a deleterious effect on protein structure/function; This variant is associated with the following publications: (PMID: 37082441, 26872670, 36982625)

Revvity Omics, Revvity
Classification: Uncertain significance. Last evaluated: 2020-09-21. Review status: criteria provided, single submitter. Criteria: ACMG Guidelines, 2015. Collection method: clinical testing. Allele origin: germline.

Illumina Laboratory Services, Illumina
Classification: Benign for Collagen VI-related myopathy. Last evaluated: 2017-05-24. Review status: criteria provided, single submitter. Criteria: ICSL Variant Classification Criteria 13 December 2019. Collection method: clinical testing. Allele origin: germline.
Comment: This variant was observed as part of a predisposition screen in an ostensibly healthy population. A literature search was performed for the gene, cDNA change, and amino acid change (where applicable). Publications were found based on this search. The evidence from the literature, in combination with allele frequency data from public databases where available, was sufficient to rule this variant out of causing disease. Therefore, this variant is classified as benign.

PreventionGenetics, part of Exact Sciences
Classification: Uncertain significance for COL6A3-related condition. Last evaluated: 2023-11-29. Review status: no assertion criteria provided. Collection method: clinical testing. Allele origin: germline. Not counted in ClinVar's aggregate classification.
Comment: The COL6A3 c.2195C>T variant is predicted to result in the amino acid substitution p.Thr732Met. This variant was reported, along with a second variant, in a patient with Parkinson disease due to homozygous PINK1 variants (Lohmann. 2016. PubMed ID: 26872670). This variant is reported in 0.025% of alleles in individuals of European (Non-Finnish) descent in gnomAD. At this time, the clinical significance of this variant is uncertain due to the absence of conclusive functional and genetic evidence.

Literature cited by the submitters: PubMed 26872670 (cited by Mayo Clinic Laboratories, Mayo Clinic and Illumina Laboratory Services, Illumina); PubMed 36982625 (cited by Mayo Clinic Laboratories, Mayo Clinic).

NM_004369.4(COL6A3):c.2195C>T (p.Thr732Met)

Gene: COL6A3 (collagen type VI alpha 3 chain; minus strand). Cytogenetic location: 2q37.3.
Variant type: single nucleotide variant.
Coding change: c.2195C>T on transcript NM_004369.4 (MANE Select); coding-DNA position 2195, C replaced by T.
Protein change: p.Thr732Met; replaces threonine 732 with methionine.
Molecular consequence: missense variant. On other transcripts: intron variant (1).
Genome position (GRCh38, 1-based): chr2:237,378,938, G>A on the plus strand (C>T on the coding strand, the complement: COL6A3 is on the minus strand). VCF-style: chr2-237378938-G-A. GRCh37 (hg19) VCF-style: chr2-238287581-G-A.
Other names: p.Thr732Met; c.974C>T, p.Thr325Met (NM_057164.5); c.1577C>T, p.Thr526Met (NM_057165.5, NM_057167.4); c.677-1594C>T (NM_057166.5); short protein forms T732M, T325M, T526M.
Identifiers: ClinVar variation 573112 (VCV000573112.22), dbSNP rs370719148, ClinGen allele CA2189459.
Genomic context (GRCh38, chr2:237,378,938, plus strand): 5'-GCTGTGAGCAGAAGCAGGAGCTGCGGCACGTGTTCACGGATCCTGCTGCCGCCAGCTTCC[G>A]TGAAGTGGTTGGCATAGACATAGCTTAGGGCTGAGCCTGTGTTCAGGCCCGAACCTCCCT-3'
Protein context (NP_004360.2, residues 722-742): ALSYVYANHF[Thr732Met]EAGGSRIREH